The following is an entry in ClinVar:

ClinVar aggregate classification (germline): Uncertain significance (1 of 4 stars; one submission).

Allele frequency attached by ClinVar (database versions not stated): gnomAD 0.00001; TOPMed 0.00001; ExAC 0.00002.
gnomAD v4.1: 18 of 1,613,786 alleles (0.0011%); highest among the groups gnomAD compares: Non-Finnish European, 0.0014%; no homozygotes.

Submission:

Labcorp Genetics (formerly Invitae), Labcorp
Classification: Uncertain significance. Last evaluated: 2022-11-23. Review status: criteria provided, single submitter. Criteria: Invitae Variant Classification Sherloc (09022015). Collection method: clinical testing. Allele origin: germline.
Comment: Algorithms developed to predict the effect of missense changes on protein structure and function output the following: SIFT: "Tolerated"; PolyPhen-2: "Possibly Damaging"; Align-GVGD: "Class C0". The histidine amino acid residue is found in multiple mammalian species, which suggests that this missense change does not adversely affect protein function. In summary, the available evidence is currently insufficient to determine the role of this variant in disease. Therefore, it has been classified as a Variant of Uncertain Significance. This variant has not been reported in the literature in individuals affected with ABCD3-related conditions. This variant is present in population databases (rs778909026, gnomAD 0.003%). This sequence change replaces arginine, which is basic and polar, with histidine, which is basic and polar, at codon 335 of the ABCD3 protein (p.Arg335His).

NM_002858.4(ABCD3):c.1004G>A (p.Arg335His)

Gene: ABCD3 (ATP binding cassette subfamily D member 3; plus strand). Cytogenetic location: 1p21.3.
Variant type: single nucleotide variant.
Coding change: c.1004G>A on transcript NM_002858.4 (MANE Select); coding-DNA position 1004, G replaced by A.
Protein change: p.Arg335His; replaces arginine 335 with histidine.
Molecular consequence: missense variant.
Genome position (GRCh38, 1-based): chr1:94,487,730, G>A. VCF-style: chr1-94487730-G-A. GRCh37 (hg19) VCF-style: chr1-94953286-G-A.
Other names: short protein forms R335H.
Identifiers: ClinVar variation 1989394 (VCV001989394.4), dbSNP rs778909026, ClinGen allele CA960307.
Genomic context (GRCh38, chr1:94,487,730, plus strand): 5'-TAAATCTTACCTGTTTGGTTTCAGACCTTGCCACTGTTGTTGGTTACCTAGTTGTCAGTC[G>A]CCCTTTCTTAGATTTGTCTCATCCTCGACATCTCAAGAGTACACATTCGGAACTTCTAGA-3'
Protein context (NP_002849.1, residues 325-345): ATVVGYLVVS[Arg335His]PFLDLSHPRH